The following is an entry in ClinVar:

ClinVar aggregate classification (germline): Uncertain significance. Review status: criteria provided, multiple submitters, no conflicts (2 of 4 stars). 2 submissions from 2 submitters: Uncertain significance (2). Last evaluated 2025-12-10.

Conditions:
ACOX2-related disorder. Also called: ACOX2-related condition.

Allele frequency attached by ClinVar (database versions not stated): TOPMed 0.00008; ExAC 0.00002; gnomAD 0.00005; gnomAD exomes 0.00001.
gnomAD v4.1: 31 of 1,613,604 alleles (0.0019%); highest among the groups gnomAD compares: Admixed American, 0.0083%; no homozygotes.

Submissions (2):

Labcorp Genetics (formerly Invitae), Labcorp
Classification: Uncertain significance. Last evaluated: 2025-12-10. Review status: criteria provided, single submitter. Criteria: Invitae Variant Classification Sherloc (09022015). Collection method: clinical testing. Allele origin: germline.
Comment: This sequence change replaces arginine, which is basic and polar, with glutamine, which is neutral and polar, at codon 329 of the ACOX2 protein (p.Arg329Gln). This variant is present in population databases (rs778909114, gnomAD 0.004%). This variant has not been reported in the literature in individuals affected with ACOX2-related conditions. ClinVar contains an entry for this variant (Variation ID: 2634762). Invitae Evidence Modeling of protein sequence and biophysical properties (such as structural, functional, and spatial information, amino acid conservation, physicochemical variation, residue mobility, and thermodynamic stability) indicates that this missense variant is not expected to disrupt ACOX2 protein function with a negative predictive value of 80%. In summary, the available evidence is currently insufficient to determine the role of this variant in disease. Therefore, it has been classified as a Variant of Uncertain Significance.

PreventionGenetics, part of Exact Sciences
Classification: Uncertain significance for ACOX2-related condition. Last evaluated: 2023-07-25. Review status: criteria provided, single submitter. Criteria: ACMG Guidelines, 2015. Collection method: clinical testing. Allele origin: germline.
Comment: The ACOX2 c.986G>A variant is predicted to result in the amino acid substitution p.Arg329Gln. To our knowledge, this variant has not been reported in the literature. This variant is reported in 0.0040% of alleles in individuals of African descent in gnomAD and is predicted to impact splicing. At this time, the clinical significance of this variant is uncertain due to the absence of conclusive functional and genetic evidence.

NM_003500.4(ACOX2):c.986G>A (p.Arg329Gln)

Gene: ACOX2 (acyl-CoA oxidase 2; minus strand). Cytogenetic location: 3p14.3.
Variant type: single nucleotide variant.
Coding change: c.986G>A on transcript NM_003500.4 (MANE Select); coding-DNA position 986, G replaced by A.
Protein change: p.Arg329Gln; replaces arginine 329 with glutamine.
Molecular consequence: missense variant.
Genome position (GRCh38, 1-based): chr3:58,530,472, C>T on the plus strand (G>A on the coding strand, the complement: ACOX2 is on the minus strand). VCF-style: chr3-58530472-C-T. GRCh37 (hg19) VCF-style: chr3-58516199-C-T.
Other names: short protein forms R329Q.
Identifiers: ClinVar variation 2634762 (VCV002634762.3), dbSNP rs778909114, ClinGen allele CA2472210.